The following is an entry in ClinVar:

ClinVar aggregate classification (germline): Uncertain significance. Review status: criteria provided, multiple submitters, no conflicts (2 of 4 stars). 4 submissions from 4 submitters: Uncertain significance (4). Last evaluated 2025-06-24.

Conditions:
Inborn genetic diseases. Identifiers: MedGen C0950123, MeSH D030342.
Nephronophthisis 3 (NPHP3). Also called: Adolescent nephronophthisis. Identifiers: Orphanet 655, MedGen C1858392, MONDO:0011456, OMIM 604387.
NPHP3-related Meckel-like syndrome. Also called: Meckel syndrome type 7; GOLDSTON SYNDROME. Identifiers: Orphanet 3032, MedGen C2673885, MONDO:0009966, OMIM 267010.
Renal-hepatic-pancreatic dysplasia 1 (RHPD1). Identifiers: MedGen C3715199, MONDO:0008833, OMIM 208540.
Nephronophthisis. Also called: Juvenile Nephronophthisis. Identifiers: Orphanet 655, MedGen C0687120, MONDO:0019005, HP:0000090.

Allele frequency attached by ClinVar (database versions not stated): gnomAD 0.00001 and 0.00002; TOPMed 0.00002; gnomAD exomes 0.00005 and 0.00007; ExAC 0.00007; ESP Exome Variant Server 0.00015; 1000 Genomes Project 0.00020; 1000 Genomes Project 30x 0.00031.
gnomAD v4.1: 77 of 1,614,070 alleles (0.0048%); highest among the groups gnomAD compares: Admixed American, 0.013%; no homozygotes.

Submissions (4):

Ambry Genetics
Classification: Uncertain significance for Inborn genetic diseases. Last evaluated: 2025-06-24. Review status: criteria provided, single submitter. Criteria: Ambry Variant Classification Scheme 2023. Collection method: clinical testing. Allele origin: germline.

Fulgent Genetics
Classification: Uncertain significance for Renal-hepatic-pancreatic dysplasia 1; NPHP3-related Meckel-like syndrome; Nephronophthisis 3. Last evaluated: 2024-05-07. Review status: criteria provided, single submitter. Criteria: ACMG Guidelines, 2015. Collection method: clinical testing. Allele origin: germline.

Labcorp Genetics (formerly Invitae), Labcorp
Classification: Uncertain significance for Nephronophthisis. Last evaluated: 2022-10-17. Review status: criteria provided, single submitter. Criteria: Invitae Variant Classification Sherloc (09022015). Collection method: clinical testing. Allele origin: germline.
Comment: This sequence change replaces arginine, which is basic and polar, with histidine, which is basic and polar, at codon 705 of the NPHP3 protein (p.Arg705His). This variant is present in population databases (rs139548649, gnomAD 0.02%). This variant has not been reported in the literature in individuals affected with NPHP3-related conditions. ClinVar contains an entry for this variant (Variation ID: 499828). Advanced modeling of protein sequence and biophysical properties (such as structural, functional, and spatial information, amino acid conservation, physicochemical variation, residue mobility, and thermodynamic stability) performed at Invitae indicates that this missense variant is not expected to disrupt NPHP3 protein function. In summary, the available evidence is currently insufficient to determine the role of this variant in disease. Therefore, it has been classified as a Variant of Uncertain Significance.

Eurofins Ntd Llc (ga)
Classification: Uncertain significance. Last evaluated: 2017-01-09. Review status: criteria provided, single submitter. Criteria: EGL Classification Definitions 2015. Collection method: clinical testing. Allele origin: germline. Observed: 1 variant allele, 1 heterozygote.

NM_153240.5(NPHP3):c.2114G>A (p.Arg705His)

Genes: NPHP3 (nephrocystin 3; minus strand), NPHP3-ACAD11 (NPHP3-ACAD11 readthrough (NMD candidate); minus strand). Cytogenetic location: 3q22.1.
Variant type: single nucleotide variant.
Coding change: c.2114G>A on transcript NM_153240.5 (MANE Select); coding-DNA position 2114, G replaced by A.
Protein change: p.Arg705His; replaces arginine 705 with histidine.
Molecular consequence: missense variant. On other transcripts: non-coding transcript variant (1).
Genome position (GRCh38, 1-based): chr3:132,696,788, C>T on the plus strand (G>A on the coding strand, the complement: NPHP3 is on the minus strand). VCF-style: chr3-132696788-C-T. GRCh37 (hg19) VCF-style: chr3-132415632-C-T.
Other names: c.2114G>A (NM_153240.4); short protein forms R705H.
Identifiers: ClinVar variation 499828 (VCV000499828.10), dbSNP rs139548649, ClinGen allele CA2622109.
Genomic context (GRCh38, chr3:132,696,788, plus strand): 5'-CACCGCGCGATCATTTTGCCGAAAAGGGTGACATAAAGGGCATTGCAGGTTGTAGCAGAA[C>T]GACAGTGTCGTTCTAGCTTCTTCTCCTGCACCAGTTTACCAAGAAAAACAAAACAGAAAT-3'
Protein context (NP_694972.3, residues 695-715): EQEKKLERHC[Arg705His]SATTCNALYV